The following is an entry in ClinVar:

ClinVar aggregate classification (germline): Uncertain significance (1 of 4 stars; one submission).

Allele frequency attached by ClinVar (database versions not stated): gnomAD 0.00001; TOPMed 0.00003.
gnomAD v4.1: 2 of 1,613,504 alleles (0.00012%); highest among the groups gnomAD compares: African/African-American, 0.0027%; no homozygotes.

Submission:

Labcorp Genetics (formerly Invitae), Labcorp
Classification: Uncertain significance. Last evaluated: 2022-11-22. Review status: criteria provided, single submitter. Criteria: Invitae Variant Classification Sherloc (09022015). Collection method: clinical testing. Allele origin: germline.
Comment: This sequence change replaces lysine, which is basic and polar, with asparagine, which is neutral and polar, at codon 62 of the IMPG2 protein (p.Lys62Asn). This variant is not present in population databases (gnomAD no frequency). This variant has not been reported in the literature in individuals affected with IMPG2-related conditions. ClinVar contains an entry for this variant (Variation ID: 861630). Algorithms developed to predict the effect of missense changes on protein structure and function output the following: SIFT: "Tolerated"; PolyPhen-2: "Benign"; Align-GVGD: "Class C0". The asparagine amino acid residue is found in multiple mammalian species, which suggests that this missense change does not adversely affect protein function. In summary, the available evidence is currently insufficient to determine the role of this variant in disease. Therefore, it has been classified as a Variant of Uncertain Significance.

NM_016247.4(IMPG2):c.186G>C (p.Lys62Asn)

Gene: IMPG2 (interphotoreceptor matrix proteoglycan 2; minus strand). Cytogenetic location: 3q12.3.
Variant type: single nucleotide variant.
Coding change: c.186G>C on transcript NM_016247.4 (MANE Select); coding-DNA position 186, G replaced by C.
Protein change: p.Lys62Asn; replaces lysine 62 with asparagine.
Molecular consequence: missense variant.
Genome position (GRCh38, 1-based): chr3:101,319,732, C>G on the plus strand (G>C on the coding strand, the complement: IMPG2 is on the minus strand). VCF-style: chr3-101319732-C-G. GRCh37 (hg19) VCF-style: chr3-101038576-C-G.
Other names: short protein forms K62N.
Identifiers: ClinVar variation 861630 (VCV000861630.11), dbSNP rs909700875, ClinGen allele CA353858349.